The following is an entry in ClinVar:

ClinVar aggregate classification (germline): Likely benign. Review status: criteria provided, single submitter (1 of 4 stars). 2 submissions from 2 submitters: Likely benign (1). 1 of the submissions does not count toward it. Last evaluated 2024-11-11.

Conditions:
EXO1-related disorder. Also called: EXO1-related condition.

Allele frequency attached by ClinVar (database versions not stated): ESP Exome Variant Server 0.00023; TOPMed 0.00037; gnomAD 0.00062; gnomAD exomes 0.00077; ExAC 0.00119; 1000 Genomes Project 0.00120; 1000 Genomes Project 30x 0.00125.
gnomAD v4.1: 1,235 of 1,614,156 alleles (0.077%); highest among the groups gnomAD compares: South Asian, 0.5%; 4 homozygotes.

Submissions (2):

Blueprint Genetics
Classification: Likely benign. Last evaluated: 2024-11-11. Review status: criteria provided, single submitter. Criteria: ACMG Guidelines, 2015. Collection method: clinical testing. Allele origin: germline.

PreventionGenetics, part of Exact Sciences
Classification: Likely benign for EXO1-related condition. Last evaluated: 2020-12-14. Review status: no assertion criteria provided. Collection method: clinical testing. Allele origin: germline. Not counted in ClinVar's aggregate classification.
Comment: This variant is classified as likely benign based on ACMG/AMP sequence variant interpretation guidelines (Richards et al. 2015 PMID: 25741868, with internal and published modifications).

NM_130398.4(EXO1):c.1670G>A (p.Arg557His)

Gene: EXO1 (exonuclease 1; plus strand). Cytogenetic location: 1q43.
Variant type: single nucleotide variant.
Coding change: c.1670G>A on transcript NM_130398.4 (MANE Select); coding-DNA position 1670, G replaced by A.
Protein change: p.Arg557His; replaces arginine 557 with histidine.
Molecular consequence: missense variant.
Genome position (GRCh38, 1-based): chr1:241,878,904, G>A. VCF-style: chr1-241878904-G-A. GRCh37 (hg19) VCF-style: chr1-242042206-G-A.
Other names: c.1667G>A, p.Arg556His (NM_001319224.2); c.1670G>A, p.Arg557His (NM_003686.4, NM_006027.4); short protein forms R556H, R557H.
Identifiers: ClinVar variation 3046024 (VCV003046024.3), dbSNP rs143800705, ClinGen allele CA1481422.